The following is an entry in ClinVar:

ClinVar aggregate classification (germline): Pathogenic. Review status: reviewed by expert panel (3 of 4 stars). 3 submissions from 3 submitters: Pathogenic (1). 2 of the submissions do not count toward it. Last evaluated 2024-08-13.

Conditions:
Von Willebrand disease type 2A. Identifiers: Orphanet 166084, MedGen C1282968, MONDO:0015628. Inheritance: Autosomal recessive or autosomal dominant.

Submissions (3):

ClinGen von Willebrand Disease Variant Curation Expert Panel, ClinGen
Classification: Pathogenic for Von Willebrand disease type 2A. Last evaluated: 2024-08-13. Review status: reviewed by expert panel. Criteria: ClinGen VWD 2A B M Rules. Collection method: curation. Allele origin: germline. Inheritance: Autosomal dominant inheritance.
Comment: The NM_000552.5(VWF):c.8317T>C (p.Cys2773Arg) missense variant is absent from gnomADv4.1 (PM2_Supporting) and the computational predictor REVEL gives a score of 0.903, which is above the ClinGen VWD VCEP threshold of >0.644 and predicts a damaging effect on VWF function (PP3). Multimerization assay performed with the Cys2773Arg recombinant mutant and wt vWF expressed by COS7 cells showed abnormal multimers, including loss of HMWM and an extra central band, indicating that this variant has a damaging effect on protein function. Additionally, collagen binding was disrupted (PMID: 11264172; PS3). Similar results were also reported in PMID:24598842. At least 1 patient with this variant displayed excessive mucocutaneous bleeding as well as a laboratory phenotypes of very low VWF activity measured by VWF:CBA (0.07 units/ml) and with VWF:Ag at 1.19, a low activity/VWF:Ag ratio, and multimeric structure typical for type IID which includes loss of HMWM. this combination is highly specific for VWD type 2A. (PP4_moderate; PMID: 8622978 patient 1). Additional consistent phenotypes were also reported in the patient including a normal FVIII activity consistent with VWF antigen. This was a de novo occurrence (PS2_supporting). This variant has been reported in 1 additional proband meeting PP4 criteria (PS4_supporting; PMID: 8622978 patient 2). Another missense variant in the same codon has been reported in a patient with VWD Type 2A NM_000552.5(VWF):c.8318G>C (p.Cys2773Ser) and has been classified as pathogenic by the ClinGen VWD VCEP (PM5). In summary, this variant meets the criteria to be classified as Pathogenic for von Willebrand disease type 2A. ACMG/AMP criteria applied as specified by the ClinGen von Willebrand disease Variant Curation Expert Panel: PP4_Moderate, PS2_Supporting, PS4_Supporting, PS3, PP3, PM2_Supporting, PM5_Supporting.

OMIM
Classification: Pathogenic for VON WILLEBRAND DISEASE, TYPE 2A. Last evaluated: 2010-05-01. Review status: no assertion criteria provided. Collection method: literature only. Allele origin: germline. Not counted in ClinVar's aggregate classification.

Academic Unit of Haematology, University of Sheffield
No classification provided. Review status: no classification provided. Collection method: not provided. Allele origin: not provided. Not counted in ClinVar's aggregate classification.

Literature cited by the submitters: PubMed 11264172 (cited by ClinGen von Willebrand Disease Variant Curation Expert Panel, ClinGen); PubMed 8622978 (cited by ClinGen von Willebrand Disease Variant Curation Expert Panel, ClinGen and OMIM); PubMed 31935285 (cited by ClinGen von Willebrand Disease Variant Curation Expert Panel, ClinGen); PubMed 24598842 (cited by ClinGen von Willebrand Disease Variant Curation Expert Panel, ClinGen); PubMed 30645640 (cited by ClinGen von Willebrand Disease Variant Curation Expert Panel, ClinGen); PubMed 34136746 (cited by ClinGen von Willebrand Disease Variant Curation Expert Panel, ClinGen); PubMed 33047469 (cited by ClinGen von Willebrand Disease Variant Curation Expert Panel, ClinGen); PubMed 20409624 (cited by OMIM); PubMed 16889557 (cited by OMIM).

NM_000552.5(VWF):c.8317T>C (p.Cys2773Arg)

Gene: VWF (von Willebrand factor; minus strand). Cytogenetic location: 12p13.31.
Variant type: single nucleotide variant.
Coding change: c.8317T>C on transcript NM_000552.5 (MANE Select); coding-DNA position 8317, T replaced by C.
Protein change: p.Cys2773Arg; replaces cysteine 2773 with arginine.
Molecular consequence: missense variant.
Genome position (GRCh38, 1-based): chr12:5,949,140, A>G on the plus strand (T>C on the coding strand, the complement: VWF is on the minus strand). VCF-style: chr12-5949140-A-G. GRCh37 (hg19) VCF-style: chr12-6058306-A-G.
Other names: NM_000552.5(VWF):c.8317T>C; short protein forms C2773R.
Identifiers: ClinVar variation 306 (VCV000000306.2), dbSNP rs61751310, ClinGen allele CA114158.